The following is an entry in ClinVar:

NM_001160372.4(TRAPPC9):c.581G>A (p.Ser194Asn)

Gene: TRAPPC9 (trafficking protein particle complex subunit 9; minus strand). Cytogenetic location: 8q24.3.
Variant type: single nucleotide variant.
Coding change: c.581G>A on transcript NM_001160372.4 (MANE Select); coding-DNA position 581, G replaced by A.
Protein change: p.Ser194Asn; replaces serine 194 with asparagine.
Molecular consequence: missense variant. On other transcripts: non-coding transcript variant (1).
Genome position (GRCh38, 1-based): chr8:140,450,793, C>T on the plus strand (G>A on the coding strand, the complement: TRAPPC9 is on the minus strand). VCF-style: chr8-140450793-C-T. GRCh37 (hg19) VCF-style: chr8-141460892-C-T.
Other names: c.581G>A, p.Ser194Asn (NM_001374683.1, NM_001374684.1, NM_031466.8 and 2 more transcripts); short protein forms S194N.
Identifiers: ClinVar variation 3613633 (VCV003613633.2).
Genomic context (GRCh38, chr8:140,450,793, plus strand): 5'-TGCTTTCCCTTTCTGATGCAGGGAAGCCAAGGGGCCTGGGTCTCTAGGTAAGCTTACCTG[C>T]TGTCTGTGTCCAGTCCTACAAAGTCCTTTTTCTCAAACGGGACACAGAGAAGGGGGATCT-3'
Protein context (NP_001153844.1, residues 184-204): KKDFVGLDTD[Ser194Asn]RHYKKRCQGR

ClinVar aggregate classification (germline): Uncertain significance (1 of 4 stars; one submission).

Submission:

Labcorp Genetics (formerly Invitae), Labcorp
Classification: Uncertain significance. Last evaluated: 2024-10-29. Review status: criteria provided, single submitter. Criteria: Invitae Variant Classification Sherloc (09022015). Collection method: clinical testing. Allele origin: germline.
Comment: This sequence change replaces serine, which is neutral and polar, with asparagine, which is neutral and polar, at codon 292 of the TRAPPC9 protein (p.Ser292Asn). This variant is not present in population databases (gnomAD no frequency). This variant has not been reported in the literature in individuals affected with TRAPPC9-related conditions. An algorithm developed to predict the effect of missense changes on protein structure and function (PolyPhen-2) suggests that this variant is likely to be disruptive. In summary, the available evidence is currently insufficient to determine the role of this variant in disease. Therefore, it has been classified as a Variant of Uncertain Significance.